The following is an entry in ClinVar:

NM_005120.3(MED12):c.3734G>A (p.Gly1245Glu)

Gene: MED12 (mediator complex subunit 12; plus strand). Cytogenetic location: Xq13.1.
Variant type: single nucleotide variant.
Coding change: c.3734G>A on transcript NM_005120.3 (MANE Select); coding-DNA position 3734, G replaced by A.
Protein change: p.Gly1245Glu; replaces glycine 1245 with glutamic acid.
Molecular consequence: missense variant.
Genome position (GRCh38, 1-based): chrX:71,129,722, G>A. VCF-style: chrX-71129722-G-A. GRCh37 (hg19) VCF-style: chrX-70349572-G-A.
Other names: short protein forms G1245E.
Identifiers: ClinVar variation 2634878 (VCV002634878.4), dbSNP rs1189111600, ClinGen allele CA413522133.

ClinVar aggregate classification (germline): Conflicting classifications of pathogenicity. Review status: criteria provided, conflicting classifications (1 of 4 stars). 2 submissions from 2 submitters: Uncertain significance (1); Likely benign (1). Last evaluated 2026-02-10.

Conditions:
MED12-Related Disorders. Also called: MED12-related condition; MED12-related disorder. Identifiers: MedGen CN381102.
FG syndrome (FGS). Identifiers: MedGen C0220769, MONDO:0002010.

Submissions (2):

PreventionGenetics, part of Exact Sciences
Classification: Uncertain significance for MED12-related condition. Last evaluated: 2026-02-10. Review status: criteria provided, single submitter. Criteria: ACMG Guidelines, 2015. Collection method: clinical testing. Allele origin: germline.
Comment: The MED12 c.3734G>A variant is predicted to result in the amino acid substitution p.Gly1245Glu. To our knowledge, this variant has not been reported in the literature. This variant is reported in 0.0040% of alleles in individuals of Latino descent in gnomAD. At this time, the clinical significance of this variant is uncertain due to the absence of conclusive functional and genetic evidence.

Labcorp Genetics (formerly Invitae), Labcorp
Classification: Likely benign for FG syndrome. Last evaluated: 2025-05-22. Review status: criteria provided, single submitter. Criteria: Invitae Variant Classification Sherloc (09022015). Collection method: clinical testing. Allele origin: germline.